The following is an entry in ClinVar:

NM_138694.4(PKHD1):c.5600+6T>C

Gene: PKHD1 (PKHD1 ciliary IPT domain containing fibrocystin/polyductin; minus strand). Cytogenetic location: 6p12.2.
Variant type: single nucleotide variant.
Coding change: c.5600+6T>C on transcript NM_138694.4 (MANE Select); 6 bases into the intron after coding-DNA position 5600, T replaced by C.
Molecular consequence: intron variant.
Genome position (GRCh38, 1-based): chr6:52,017,404, A>G on the plus strand (T>C on the coding strand, the complement: PKHD1 is on the minus strand). VCF-style: chr6-52017404-A-G. GRCh37 (hg19) VCF-style: chr6-51882202-A-G.
Other names: c.5600+6T>C (NM_170724.3).
Identifiers: ClinVar variation 837966 (VCV000837966.6), dbSNP rs1800710573, ClinGen allele CA916082840.

ClinVar aggregate classification (germline): Uncertain significance (1 of 4 stars; one submission).

Conditions:
Autosomal recessive polycystic kidney disease (ARPKD). Also called: AR polycystic kidney disease. Identifiers: Orphanet 731, Orphanet 8378, MedGen C0085548, MeSH D017044, MONDO:0009889.

Submission:

Labcorp Genetics (formerly Invitae), Labcorp
Classification: Uncertain significance for Autosomal recessive polycystic kidney disease. Last evaluated: 2021-08-30. Review status: criteria provided, single submitter. Criteria: Invitae Variant Classification Sherloc (09022015). Collection method: clinical testing. Allele origin: germline.
Comment: This sequence change falls in intron 34 of the PKHD1 gene. It does not directly change the encoded amino acid sequence of the PKHD1 protein. It affects a nucleotide within the consensus splice site of the intron. This variant is not present in population databases (ExAC no frequency). This variant has not been reported in the literature in individuals affected with PKHD1-related conditions. Variants that disrupt the consensus splice site are a relatively common cause of aberrant splicing (PMID: 17576681, 9536098). Algorithms developed to predict the effect of sequence changes on RNA splicing suggest that this variant is not likely to affect RNA splicing. In summary, the available evidence is currently insufficient to determine the role of this variant in disease. Therefore, it has been classified as a Variant of Uncertain Significance.

Literature cited by the submitters: PubMed 17576681; PubMed 9536098.